The following is an entry in ClinVar:

ClinVar aggregate classification (germline): Uncertain significance (1 of 4 stars; one submission).

Conditions:
Oligodontia-cancer predisposition syndrome. Also called: TOOTH AGENESIS-COLORECTAL CANCER SYNDROME. Identifiers: Orphanet 300576, MedGen C1837750, MONDO:0012075, OMIM 608615. Disease mechanism: loss of function.

Submission:

Labcorp Genetics (formerly Invitae), Labcorp
Classification: Uncertain significance for Oligodontia-cancer predisposition syndrome. Last evaluated: 2023-04-06. Review status: criteria provided, single submitter. Criteria: Invitae Variant Classification Sherloc (09022015). Collection method: clinical testing. Allele origin: germline.
Comment: This sequence change replaces alanine, which is neutral and non-polar, with proline, which is neutral and non-polar, at codon 705 of the AXIN2 protein (p.Ala705Pro). This variant is not present in population databases (gnomAD no frequency). In summary, the available evidence is currently insufficient to determine the role of this variant in disease. Therefore, it has been classified as a Variant of Uncertain Significance. Advanced modeling of protein sequence and biophysical properties (such as structural, functional, and spatial information, amino acid conservation, physicochemical variation, residue mobility, and thermodynamic stability) performed at Invitae indicates that this missense variant is not expected to disrupt AXIN2 protein function. This variant has not been reported in the literature in individuals affected with AXIN2-related conditions.

NM_004655.4(AXIN2):c.2113G>C (p.Ala705Pro)

Gene: AXIN2 (axin 2; minus strand). Cytogenetic location: 17q24.1.
Variant type: single nucleotide variant.
Coding change: c.2113G>C on transcript NM_004655.4 (MANE Select); coding-DNA position 2113, G replaced by C.
Protein change: p.Ala705Pro; replaces alanine 705 with proline.
Molecular consequence: missense variant.
Genome position (GRCh38, 1-based): chr17:65,536,348, C>G on the plus strand (G>C on the coding strand, the complement: AXIN2 is on the minus strand). VCF-style: chr17-65536348-C-G. GRCh37 (hg19) VCF-style: chr17-63532466-C-G.
Other names: c.1918G>C, p.Ala640Pro (NM_001363813.1); short protein forms A640P, A705P.
Identifiers: ClinVar variation 2852357 (VCV002852357.3), dbSNP rs1598096617, ClinGen allele CA400675962.